The following is an entry in ClinVar:

ClinVar aggregate classification (germline): Uncertain significance (1 of 4 stars; one submission).

Conditions:
Peroxisome biogenesis disorder 3A (Zellweger). Also called: PEROXISOMAL BIOGENESIS DISORDER 3A (ZELLWEGER); Peroxisome biogenesis disorder 3A. Identifiers: Orphanet 912, MedGen C3553929, MONDO:0013927, OMIM 614859.

Allele frequency attached by ClinVar (database versions not stated): TOPMed below 0.00001; gnomAD 0.00001; gnomAD exomes 0.00002.

Submission:

Labcorp Genetics (formerly Invitae), Labcorp
Classification: Uncertain significance for Peroxisome biogenesis disorder 3A (Zellweger). Last evaluated: 2022-03-12. Review status: criteria provided, single submitter. Criteria: Invitae Variant Classification Sherloc (09022015). Collection method: clinical testing. Allele origin: germline.
Comment: This sequence change replaces leucine, which is neutral and non-polar, with serine, which is neutral and polar, at codon 276 of the PEX12 protein (p.Leu276Ser). This variant is present in population databases (no rsID available, gnomAD 0.004%). This variant has not been reported in the literature in individuals affected with PEX12-related conditions. Algorithms developed to predict the effect of missense changes on protein structure and function are either unavailable or do not agree on the potential impact of this missense change (SIFT: "Tolerated"; PolyPhen-2: "Probably Damaging"; Align-GVGD: "Class C0"). In summary, the available evidence is currently insufficient to determine the role of this variant in disease. Therefore, it has been classified as a Variant of Uncertain Significance.

NM_000286.3(PEX12):c.827T>C (p.Leu276Ser)

Gene: PEX12 (peroxisomal biogenesis factor 12; minus strand). Cytogenetic location: 17q12.
Variant type: single nucleotide variant.
Coding change: c.827T>C on transcript NM_000286.3 (MANE Select); coding-DNA position 827, T replaced by C.
Protein change: p.Leu276Ser; replaces leucine 276 with serine.
Molecular consequence: missense variant.
Genome position (GRCh38, 1-based): chr17:35,576,035, A>G on the plus strand (T>C on the coding strand, the complement: PEX12 is on the minus strand). VCF-style: chr17-35576035-A-G. GRCh37 (hg19) VCF-style: chr17-33903054-A-G.
Other names: short protein forms L276S.
Identifiers: ClinVar variation 2179231 (VCV002179231.1), dbSNP rs1249994630, ClinGen allele CA399137289.